The following is an entry in ClinVar:

ClinVar aggregate classification (germline): Pathogenic. Review status: criteria provided, multiple submitters, no conflicts (2 of 4 stars). 6 submissions from 6 submitters: Pathogenic (5). 1 of the submissions does not count toward it. Last evaluated 2026-05-06.

Conditions:
Primary ciliary dyskinesia. Also called: Ciliary dyskinesia. Identifiers: Orphanet 244, MedGen C0008780, MONDO:0016575, HP:0012265.
DNAH11-related disorder. Also called: DNAH11-related condition.
Primary ciliary dyskinesia 7. Also called: CILIARY DYSKINESIA, PRIMARY, 7, WITH OR WITHOUT SITUS INVERSUS. Identifiers: Orphanet 244, MedGen C2678473, MONDO:0012748, OMIM 611884.

Submissions (6):

GeneDx
Classification: Pathogenic. Last evaluated: 2026-05-06. Review status: criteria provided, single submitter. Criteria: GeneDx Variant Classification Process June 2021. Collection method: clinical testing. Allele origin: germline.
Comment: Frameshift variant predicted to result in protein truncation or nonsense mediated decay in a gene for which loss of function is a known mechanism of disease; This variant is associated with the following publications: (PMID: 34133440, 29467202)

Labcorp Genetics (formerly Invitae), Labcorp
Classification: Pathogenic for Primary ciliary dyskinesia. Last evaluated: 2025-11-18. Review status: criteria provided, single submitter. Criteria: Invitae Variant Classification Sherloc (09022015). Collection method: clinical testing. Allele origin: germline.
Comment: This sequence change creates a premature translational stop signal (p.Ser1465Argfs*6) in the DNAH11 gene. It is expected to result in an absent or disrupted protein product. Loss-of-function variants in DNAH11 are known to be pathogenic (PMID: 18022865, 20513915, 22184204). The frequency data for this variant in the population databases is considered unreliable, as metrics indicate poor data quality at this position in the gnomAD database. This premature translational stop signal has been observed in individual(s) with primary ciliary dyskinesia (internal data). In at least one individual the data is consistent with being in trans (on the opposite chromosome) from a pathogenic variant. ClinVar contains an entry for this variant (Variation ID: 945304). For these reasons, this variant has been classified as Pathogenic.

Fulgent Genetics
Classification: Pathogenic for Primary ciliary dyskinesia 7. Last evaluated: 2024-04-25. Review status: criteria provided, single submitter. Criteria: ACMG Guidelines, 2015. Collection method: clinical testing. Allele origin: germline.

Baylor Genetics
Classification: Pathogenic for Primary ciliary dyskinesia 7. Last evaluated: 2022-08-11. Review status: criteria provided, single submitter. Criteria: ACMG Guidelines, 2015. Collection method: clinical testing. Allele origin: unknown.

Ambry Genetics
Classification: Pathogenic for Primary ciliary dyskinesia. Last evaluated: 2022-02-18. Review status: criteria provided, single submitter. Criteria: Ambry Variant Classification Scheme 2023. Collection method: clinical testing. Allele origin: germline.
Comment: The c.4395_4398delTCAG pathogenic mutation, located in coding exon 25 of the DNAH11 gene, results from a deletion of 4 nucleotides at nucleotide positions 4395 to 4398, causing a translational frameshift with a predicted alternate stop codon (p.S1465Rfs*6). This alteration was found in conjunction with another truncating mutation in DNAH11 in an individual with recurrent chest infections and rhinitis (Shoemark A et al. Eur Respir J, 2018 02;51:). This alteration is expected to result in loss of function by premature protein truncation or nonsense-mediated mRNA decay. As such, this alteration is interpreted as a disease-causing mutation.

PreventionGenetics, part of Exact Sciences
Classification: Pathogenic for DNAH11-related condition. Last evaluated: 2024-02-08. Review status: no assertion criteria provided. Collection method: clinical testing. Allele origin: germline. Not counted in ClinVar's aggregate classification.
Comment: The DNAH11 c.4395_4398delTCAG variant is predicted to result in a frameshift and premature protein termination (p.Ser1465Argfs*6). This variant has been reported in the compound heterozygous state in an individual with primary ciliary dyskinesia (Table 1, Xia et al. 2021. PubMed ID: 34133440). This variant is reported in 0.039% of alleles in individuals of Latino descent in gnomAD. Frameshift variants in DNAH11 are expected to be pathogenic. This variant is interpreted as pathogenic.

Literature cited by the submitters: PubMed 18022865 (cited by Labcorp Genetics (formerly Invitae), Labcorp); PubMed 20513915 (cited by Labcorp Genetics (formerly Invitae), Labcorp); PubMed 22184204 (cited by Labcorp Genetics (formerly Invitae), Labcorp); PubMed 29467202 (cited by Ambry Genetics).

NM_001277115.2(DNAH11):c.4395_4398del (p.Ser1465fs)

Gene: DNAH11 (dynein axonemal heavy chain 11; plus strand). Cytogenetic location: 7p15.3.
Variant type: Microsatellite.
Coding change: c.4395_4398del on transcript NM_001277115.2 (MANE Select); coding-DNA positions 4395 to 4398, 4 bases deleted (TCAG; older notation c.4395_4398delTCAG).
Protein change: p.Ser1465fs; shifts the reading frame from serine 1465.
Molecular consequence: frameshift variant.
Genome position (GRCh38, 1-based): chr7:21,619,973-21,619,976, TCAG deleted; deleting any 4 consecutive bases within chr7:21,619,969-21,619,976 gives the same sequence; the c. name uses the placement nearest the transcript's 3' end. VCF-style (leftmost placement, unchanged base first): chr7-21619968-ATCAG-A. GRCh37 (hg19) VCF-style: chr7-21659586-ATCAG-A.
Other names: c.4395_4398delTCAG (NM_001277115.1); short protein forms S1465fs.
Identifiers: ClinVar variation 945304 (VCV000945304.19), dbSNP rs761764078, ClinGen allele CA4180036.